The following is an entry in ClinVar:

NM_002381.5(MATN3):c.542G>A (p.Arg181Gln)

Gene: MATN3 (matrilin 3; minus strand). Cytogenetic location: 2p24.1.
Variant type: single nucleotide variant.
Coding change: c.542G>A on transcript NM_002381.5 (MANE Select); coding-DNA position 542, G replaced by A.
Protein change: p.Arg181Gln; replaces arginine 181 with glutamine.
Molecular consequence: missense variant.
Genome position (GRCh38, 1-based): chr2:20,005,992, C>T on the plus strand (G>A on the coding strand, the complement: MATN3 is on the minus strand). VCF-style: chr2-20005992-C-T. GRCh37 (hg19) VCF-style: chr2-20205753-C-T.
Other names: short protein forms R181Q.
Identifiers: ClinVar variation 2896081 (VCV002896081.3), dbSNP rs778152107, ClinGen allele CA1543952.
Genomic context (GRCh38, chr2:20,005,992, plus strand): 5'-TCCTGGGGCCTCCCATCTGTAACAATGATGGCCACCTTAGGGATGTTAGAAGAGGGCTCT[C>T]GAGCCCCTGCCTCCACTGTGAAGGCTTCGTCCATTGCTGTCTGGATGGCTAGGCCTGACA-3'
Protein context (NP_002372.1, residues 171-191): DEAFTVEAGA[Arg181Gln]EPSSNIPKVA

ClinVar aggregate classification (germline): Uncertain significance (1 of 4 stars; one submission).

Allele frequency attached by ClinVar (database versions not stated): gnomAD 0.00001; gnomAD exomes 0.00001; ExAC 0.00002; TOPMed 0.00002.
gnomAD v4.1: 7 of 1,613,846 alleles (0.00043%); highest among the groups gnomAD compares: Admixed American, 0.0033%; no homozygotes.

Submission:

Labcorp Genetics (formerly Invitae), Labcorp
Classification: Uncertain significance. Last evaluated: 2023-05-09. Review status: criteria provided, single submitter. Criteria: Invitae Variant Classification Sherloc (09022015). Collection method: clinical testing. Allele origin: germline.
Comment: In summary, the available evidence is currently insufficient to determine the role of this variant in disease. Therefore, it has been classified as a Variant of Uncertain Significance. Advanced modeling of protein sequence and biophysical properties (such as structural, functional, and spatial information, amino acid conservation, physicochemical variation, residue mobility, and thermodynamic stability) performed at Invitae indicates that this missense variant is expected to disrupt MATN3 protein function. This missense change has been observed in individual(s) with spondylo-epimetaphyseal dysplasia Matrilin 3 type (PMID: 32470407). This variant is present in population databases (rs778152107, gnomAD 0.007%). This sequence change replaces arginine, which is basic and polar, with glutamine, which is neutral and polar, at codon 181 of the MATN3 protein (p.Arg181Gln).

Literature cited by the submitters: PubMed 32470407.